The following is an entry in ClinVar:

NM_001211.6(BUB1B):c.2023G>C (p.Asp675His)

Gene: BUB1B (BUB1 mitotic checkpoint serine/threonine kinase B; plus strand). Cytogenetic location: 15q15.1.
Variant type: single nucleotide variant.
Coding change: c.2023G>C on transcript NM_001211.6 (MANE Select); coding-DNA position 2023, G replaced by C.
Protein change: p.Asp675His; replaces aspartic acid 675 with histidine.
Molecular consequence: missense variant.
Genome position (GRCh38, 1-based): chr15:40,208,650, G>C. VCF-style: chr15-40208650-G-C. GRCh37 (hg19) VCF-style: chr15-40500851-G-C.
Other names: short protein forms D675H.
Identifiers: ClinVar variation 1784611 (VCV001784611.3), dbSNP rs2542569375, ClinGen allele CA391693278.

ClinVar aggregate classification (germline): Uncertain significance (1 of 4 stars; one submission).

Conditions:
Inborn genetic diseases. Identifiers: MedGen C0950123, MeSH D030342.

Submission:

Ambry Genetics
Classification: Uncertain significance for Inborn genetic diseases. Last evaluated: 2023-07-27. Review status: criteria provided, single submitter. Criteria: Ambry Variant Classification Scheme 2023. Collection method: clinical testing. Allele origin: germline.
Comment: The p.D675H variant (also known as c.2023G>C), located in coding exon 16 of the BUB1B gene, results from a G to C substitution at nucleotide position 2023. The aspartic acid at codon 675 is replaced by histidine, an amino acid with similar properties. This amino acid position is conserved. In addition, this alteration is predicted to be tolerated by in silico analysis. Since supporting evidence is limited at this time, the clinical significance of this alteration remains unclear.